The following is an entry in ClinVar:

NM_001363118.2(SLC52A2):c.781A>T (p.Thr261Ser)

Gene: SLC52A2 (solute carrier family 52 member 2; plus strand). Cytogenetic location: 8q24.3.
Variant type: single nucleotide variant.
Coding change: c.781A>T on transcript NM_001363118.2 (MANE Select); coding-DNA position 781, A replaced by T.
Protein change: p.Thr261Ser; replaces threonine 261 with serine.
Molecular consequence: missense variant. On other transcripts: non-coding transcript variant (1).
Genome position (GRCh38, 1-based): chr8:144,360,273, A>T. VCF-style: chr8-144360273-A-T. GRCh37 (hg19) VCF-style: chr8-145583933-A-T.
Other names: c.781A>T, p.Thr261Ser (NM_001253815.2, NM_001253816.2, NM_001363120.2 and 2 more transcripts); c.289A>T, p.Thr97Ser (NM_001363122.2); short protein forms T97S, T261S.
Identifiers: ClinVar variation 1423500 (VCV001423500.8), dbSNP rs915304756, ClinGen allele CA372627898.

ClinVar aggregate classification (germline): Uncertain significance (1 of 4 stars; one submission).

Conditions:
Brown-Vialetto-van Laere syndrome 2. Also called: SPINOCEREBELLAR ATAXIA WITH BLINDNESS AND DEAFNESS 2; Riboflavin transporter deficiency type 2. Identifiers: Orphanet 572543, Orphanet 97229, MedGen C3553538, MONDO:0013867, OMIM 614707.

Allele frequency attached by ClinVar (database versions not stated): TOPMed below 0.00001.

Submission:

Labcorp Genetics (formerly Invitae), Labcorp
Classification: Uncertain significance for Brown-Vialetto-van Laere syndrome 2. Last evaluated: 2021-03-04. Review status: criteria provided, single submitter. Criteria: Invitae Variant Classification Sherloc (09022015). Collection method: clinical testing. Allele origin: germline.
Comment: Advanced modeling of protein sequence and biophysical properties (such as structural, functional, and spatial information, amino acid conservation, physicochemical variation, residue mobility, and thermodynamic stability) performed at Invitae indicates that this missense variant is not expected to disrupt SLC52A2 protein function. In summary, the available evidence is currently insufficient to determine the role of this variant in disease. Therefore, it has been classified as a Variant of Uncertain Significance. This variant has not been reported in the literature in individuals with SLC52A2-related conditions. This variant is not present in population databases (ExAC no frequency). This sequence change replaces threonine with serine at codon 261 of the SLC52A2 protein (p.Thr261Ser). The threonine residue is weakly conserved and there is a small physicochemical difference between threonine and serine.